The following is an entry in ClinVar:

ClinVar aggregate classification (germline): Benign/Likely benign. Review status: criteria provided, multiple submitters, no conflicts (2 of 4 stars). 7 submissions from 7 submitters: Benign (1); Likely benign (6). Last evaluated 2026-04-06.

Conditions:
Loeys-Dietz syndrome 2 (LDS2). Also called: TGFBR2-Related Loeys-Dietz Syndrome; Marfan syndrome, type 2 (formerly); AORTIC ANEURYSM, FAMILIAL THORACIC 3; MARFAN SYNDROME, TYPE II; Marfan Syndrome type 2; Marfan like connective tissue disorder. Identifiers: Orphanet 284973, Orphanet 558, MedGen C2674574, MONDO:0012427, OMIM 610168.
Familial thoracic aortic aneurysm and aortic dissection (TAAD). Also called: Thoracic aortic aneurysms and dissections. Identifiers: Orphanet 91387, MedGen C4707243, MONDO:0019625.

Allele frequency attached by ClinVar (database versions not stated): TOPMed 0.00003; gnomAD exomes 0.00006 and 0.00007; ExAC 0.00012.
gnomAD v4.1: 39 of 1,614,218 alleles (0.0024%); highest among the groups gnomAD compares: Non-Finnish European, 0.0028%; no homozygotes.

Submissions (7):

Women's Health and Genetics/Laboratory Corporation of America, LabCorp
Classification: Benign. Last evaluated: 2026-04-06. Review status: criteria provided, single submitter. Criteria: LabCorp Variant Classification Summary - May 2015. Collection method: clinical testing. Allele origin: germline.

Mayo Clinic Laboratories, Mayo Clinic
Classification: Likely benign. Last evaluated: 2025-10-21. Review status: criteria provided, single submitter. Criteria: ACMG Guidelines, 2015. Collection method: clinical testing. Allele origin: germline. Observed: 1 variant allele.
Comment: BP4, BP7

Labcorp Genetics (formerly Invitae), Labcorp
Classification: Likely benign for Familial thoracic aortic aneurysm and aortic dissection. Last evaluated: 2025-10-02. Review status: criteria provided, single submitter. Criteria: Invitae Variant Classification Sherloc (09022015). Collection method: clinical testing. Allele origin: germline.

All of Us Research Program, National Institutes of Health
Classification: Likely benign for Loeys-Dietz syndrome 2. Last evaluated: 2023-12-01. Review status: criteria provided, single submitter. Criteria: ACMG Guidelines, 2015. Collection method: clinical testing. Allele origin: germline. Inheritance: Autosomal dominant inheritance. Observed: 3 variant alleles, 3 heterozygotes.
Comment: This study involves interpretation of variants in research participants for the purpose of population health screening. Participant phenotype was not available at the time of variant classification. Additional details can be found in publication PMID: 35346344, PMCID: PMC8962531

GeneDx
Classification: Likely benign. Last evaluated: 2020-12-31. Review status: criteria provided, single submitter. Criteria: GeneDx Variant Classification Process June 2021. Collection method: clinical testing. Allele origin: germline. Affected: yes.

Ambry Genetics
Classification: Likely benign for Familial thoracic aortic aneurysm and aortic dissection. Last evaluated: 2019-10-14. Review status: criteria provided, single submitter. Criteria: Ambry Variant Classification Scheme 2023. Collection method: clinical testing. Allele origin: germline.

Color Diagnostics, LLC DBA Color Health
Classification: Likely benign for Familial thoracic aortic aneurysm and aortic dissection. Last evaluated: 2019-04-14. Review status: criteria provided, single submitter. Criteria: ACMG Guidelines, 2015. Collection method: clinical testing. Allele origin: germline.

NM_003242.6(TGFBR2):c.1464G>A (p.Lys488=)

Gene: TGFBR2 (transforming growth factor beta receptor 2; plus strand). Cytogenetic location: 3p24.1.
Variant type: single nucleotide variant.
Coding change: c.1464G>A on transcript NM_003242.6 (MANE Select); coding-DNA position 1464, G replaced by A.
Protein change: p.Lys488=; no amino-acid change (lysine 488 retained).
Molecular consequence: synonymous variant.
Genome position (GRCh38, 1-based): chr3:30,688,451, G>A. VCF-style: chr3-30688451-G-A. GRCh37 (hg19) VCF-style: chr3-30729943-G-A.
Other names: p.Lys488=; c.1539G>A, p.Lys513= (NM_001024847.3); c.1647G>A, p.Lys549= (NM_001407126.1); c.1572G>A, p.Lys524= (NM_001407127.1); c.1491G>A, p.Lys497= (NM_001407128.1); c.1467G>A, p.Lys489= (NM_001407129.1); c.1461G>A, p.Lys487= (NM_001407130.1); c.1359G>A, p.Lys453= (NM_001407132.1, NM_001407133.1, NM_001407134.1 and 2 more transcripts); and 3 more.
Identifiers: ClinVar variation 381912 (VCV000381912.19), dbSNP rs753282415, ClinGen allele CA046670.